The following is an entry in ClinVar:

NM_006648.4(WNK2):c.6391G>A (p.Glu2131Lys)

Gene: WNK2 (WNK lysine deficient protein kinase 2; plus strand). Cytogenetic location: 9q22.31.
Variant type: single nucleotide variant.
Coding change: c.6391G>A on transcript NM_006648.4 (MANE Select); coding-DNA position 6391, G replaced by A.
Protein change: p.Glu2131Lys; replaces glutamic acid 2131 with lysine.
Molecular consequence: missense variant.
Genome position (GRCh38, 1-based): chr9:93,308,459, G>A. VCF-style: chr9-93308459-G-A. GRCh37 (hg19) VCF-style: chr9-96070741-G-A.
Other names: c.6502G>A, p.Glu2168Lys (NM_001282394.3); short protein forms E2131K, E2168K.
Identifiers: ClinVar variation 4201757 (VCV004201757.1).

ClinVar aggregate classification (germline): Uncertain significance (1 of 4 stars; one submission).

gnomAD v4.1: 7 of 1,610,566 alleles (0.00043%); highest among the groups gnomAD compares: East Asian, 0.0022%; no homozygotes.

Submission:

Ambry Genetics
Classification: Uncertain significance. Last evaluated: 2025-08-15. Review status: criteria provided, single submitter. Criteria: Ambry Variant Classification Scheme 2023. Collection method: clinical testing. Allele origin: germline.
Comment: The p.E2131K variant (also known as c.6391G>A), located in coding exon 27 of the WNK2 gene, results from a G to A substitution at nucleotide position 6391. The glutamic acid at codon 2131 is replaced by lysine, an amino acid with similar properties. This amino acid position is conserved. In addition, this alteration is predicted to be tolerated by in silico analysis. Based on the available evidence, the clinical significance of this variant remains unclear.